The following is an entry in ClinVar:

NM_002016.2(FLG):c.1993G>A (p.Glu665Lys)

Genes: CCDST (cervical cancer associated DHX9 suppressive transcript; plus strand), FLG (filaggrin; minus strand). Cytogenetic location: 1q21.3.
Variant type: single nucleotide variant.
Coding change: c.1993G>A on transcript NM_002016.2 (MANE Select); coding-DNA position 1993, G replaced by A.
Protein change: p.Glu665Lys; replaces glutamic acid 665 with lysine.
Molecular consequence: missense variant.
Genome position (GRCh38, 1-based): chr1:152,312,893, C>T on the plus strand (G>A on the coding strand, the complement: FLG is on the minus strand). VCF-style: chr1-152312893-C-T. GRCh37 (hg19) VCF-style: chr1-152285369-C-T.
Other names: c.1993G>A (NM_002016.1); short protein forms E665K.
Identifiers: ClinVar variation 1012539 (VCV001012539.41), dbSNP rs150519389, ClinGen allele CA1107376.

ClinVar aggregate classification (germline): Conflicting classifications of pathogenicity. Review status: criteria provided, conflicting classifications (1 of 4 stars). 4 submissions from 4 submitters: Uncertain significance (1); Likely benign (3). Last evaluated 2025-12-01.

Conditions:
Inborn genetic diseases. Identifiers: MedGen C0950123, MeSH D030342.

Allele frequency attached by ClinVar (database versions not stated): 1000 Genomes Project 0.00060; 1000 Genomes Project 30x 0.00062; TOPMed 0.00218; gnomAD 0.00222 and 0.00228; gnomAD exomes 0.00251; ESP Exome Variant Server 0.00292; ExAC 0.00309.
gnomAD v4.1: 4,922 of 1,613,990 alleles (0.3%); highest among the groups gnomAD compares: Non-Finnish European, 0.38%; 8 homozygotes.

Submissions (4):

CeGaT Center for Human Genetics Tuebingen
Classification: Likely benign. Last evaluated: 2025-12-01. Review status: criteria provided, single submitter. Criteria: CeGaT Center For Human Genetics Tuebingen Variant Classification Criteria Version 2. Collection method: clinical testing. Allele origin: germline. Affected: yes. Observed: 15 variant alleles.
Comment: FLG: BP4, BS2

Blueprint Genetics
Classification: Likely benign. Last evaluated: 2024-11-25. Review status: criteria provided, single submitter. Criteria: ACMG Guidelines, 2015. Collection method: clinical testing. Allele origin: germline.

Ambry Genetics
Classification: Uncertain significance for Inborn genetic diseases. Last evaluated: 2024-01-29. Review status: criteria provided, single submitter. Criteria: Ambry Variant Classification Scheme 2023. Collection method: clinical testing. Allele origin: germline.

Breakthrough Genomics
Classification: Likely benign. Review status: criteria provided, single submitter. Criteria: ACMG Guidelines, 2015. Collection method: not provided. Allele origin: germline. Inheritance: Autosomal dominant inheritance. Affected: yes.